The following is an entry in ClinVar:

NM_016042.4(EXOSC3):c.2T>G (p.Met1Arg)

Gene: EXOSC3 (exosome component 3; minus strand). Cytogenetic location: 9p13.2.
Variant type: single nucleotide variant.
Coding change: c.2T>G on transcript NM_016042.4 (MANE Select); coding-DNA position 2, T replaced by G.
Protein change: p.Met1Arg; changes the start codon (methionine 1).
Molecular consequence: missense variant, initiator codon variant.
Genome position (GRCh38, 1-based): chr9:37,785,043, A>C on the plus strand (T>G on the coding strand, the complement: EXOSC3 is on the minus strand). VCF-style: chr9-37785043-A-C. GRCh37 (hg19) VCF-style: chr9-37785040-A-C.
Other names: c.2T>G, p.Met1Arg (NM_001002269.2); short protein forms M1R.
Identifiers: ClinVar variation 1806093 (VCV001806093.2), dbSNP rs1325914775, ClinGen allele CA373476229.
Genomic context (GRCh38, chr9:37,785,043, plus strand): 5'-CGTGCAGCGCGCGCCCTGCTGCCCGCGAGAGATTCAGCCGCGACAGACGCAGGTTCGGCC[A>C]TCGCGGGCTCCACCAAACACCGTTTCCGGTACCCGCCTTCCGCTTCCGCTCCGCTTCCAA-3'
Protein context (NP_057126.2, residues 1-11): [Met1Arg]AEPASVAAES

ClinVar aggregate classification (germline): Likely pathogenic (1 of 4 stars; one submission).

Conditions:
Pontocerebellar hypoplasia type 1B. Also called: EXOSC3 Pontocerebellar Hypoplasia. Identifiers: Orphanet 2254, MedGen C3553449, MONDO:0013853, OMIM 614678.

Submission:

Victorian Clinical Genetics Services, Murdoch Childrens Research Institute
Classification: Likely pathogenic for Pontocerebellar hypoplasia type 1B. Last evaluated: 2020-10-19. Review status: criteria provided, single submitter. Criteria: ACMG Guidelines, 2015. Collection method: clinical testing. Allele origin: germline. Inheritance: Autosomal recessive inheritance.
Comment: Based on the classification scheme VCGS_Germline_v1.3.3, this variant is classified as Likely pathogenic. Following criteria are met: 0102 - Loss of function is a known mechanism of disease in this gene and is associated with pontocerebellar hypoplasia, type 1B (MIM#614678). (I) 0106 - This gene is associated with autosomal recessive disease. (I) 0206 - Variant is predicted to result in a loss of the canonical translation initiation codon (ATG). (SP) 0252 - This variant is homozygous. (I) 0301 - This nucleotide change is absent from gnomAD (both v2 and v3). (SP) 0311 - Alternative nucleotide changes at the initiation codon are present in gnomAD (v2) (Highest allele count: 9 heterozygotes, 0 homozygotes). (I) 0704 - Other start-loss variants comparable to the one identified in this case have limited previous evidence for pathogenicity. c.2T>C variant has been reported as pathogenic in ClinVar and as compound heterozygous in a family with 2 patients with moderate PCH1 (pontocerebellar hypoplasia with spinal muscular atrophy) (PMID: 23284067). c.3G>T variant has been reported as likely pathogenic but without clinical information in the Global Variome shared LOVD database. (SP) 0807 - This variant has no previous evidence of pathogenicity. (I) 0905 - No published segregation evidence has been identified for this variant. (I) 1007 - No published functional evidence has been identified for this variant. (I) 1208 - Inheritance information for this variant is not currently available in this individual. (I) Legend: (SP) - Supporting pathogenic, (I) - Information, (SB) - Supporting benign

Literature cited by the submitters: PubMed 23284067.